The following is an entry in ClinVar:

NM_006231.4(POLE):c.1468G>A (p.Asp490Asn)

Gene: POLE (DNA polymerase epsilon, catalytic subunit; minus strand). Cytogenetic location: 12q24.33.
Variant type: single nucleotide variant.
Coding change: c.1468G>A on transcript NM_006231.4 (MANE Select); coding-DNA position 1468, G replaced by A.
Protein change: p.Asp490Asn; replaces aspartic acid 490 with asparagine.
Molecular consequence: missense variant.
Genome position (GRCh38, 1-based): chr12:132,673,169, C>T on the plus strand (G>A on the coding strand, the complement: POLE is on the minus strand). VCF-style: chr12-132673169-C-T. GRCh37 (hg19) VCF-style: chr12-133249755-C-T.
Other names: short protein forms D490N.
Identifiers: ClinVar variation 405843 (VCV000405843.25), dbSNP rs755463796, ClinGen allele CA6893956.

ClinVar aggregate classification (germline): Conflicting classifications of pathogenicity. Review status: criteria provided, conflicting classifications (1 of 4 stars). 4 submissions from 4 submitters: Uncertain significance (3); Likely benign (1). Last evaluated 2026-01-18.

Conditions:
Hereditary cancer-predisposing syndrome. Also called: Hereditary Cancer Syndrome; Hereditary neoplastic syndrome; Neoplastic Syndromes, Hereditary; Tumor predisposition. Identifiers: Orphanet 140162, MedGen C0027672, MeSH D009386, MONDO:0015356.

Allele frequency attached by ClinVar (database versions not stated): gnomAD 0.00001; gnomAD exomes 0.00001; ExAC 0.00002; TOPMed 0.00002.
gnomAD v4.1: 6 of 1,598,658 alleles (0.00038%); highest among the groups gnomAD compares: Non-Finnish European, 0.00051%; no homozygotes.

Submissions (4):

Labcorp Genetics (formerly Invitae), Labcorp
Classification: Uncertain significance. Last evaluated: 2026-01-18. Review status: criteria provided, single submitter. Criteria: Invitae Variant Classification Sherloc (09022015). Collection method: clinical testing. Allele origin: germline.
Comment: This sequence change replaces aspartic acid, which is acidic and polar, with asparagine, which is neutral and polar, at codon 490 of the POLE protein (p.Asp490Asn). This variant is present in population databases (rs755463796, gnomAD 0.0009%). This variant has not been reported in the literature in individuals affected with POLE-related conditions. ClinVar contains an entry for this variant (Variation ID: 405843). Invitae Evidence Modeling of protein sequence and biophysical properties (such as structural, functional, and spatial information, amino acid conservation, physicochemical variation, residue mobility, and thermodynamic stability) indicates that this missense variant is expected to disrupt POLE protein function with a positive predictive value of 80%. In summary, the available evidence is currently insufficient to determine the role of this variant in disease. Therefore, it has been classified as a Variant of Uncertain Significance.

Ambry Genetics
Classification: Likely benign for Hereditary cancer-predisposing syndrome. Last evaluated: 2024-12-06. Review status: criteria provided, single submitter. Criteria: Ambry Variant Classification Scheme 2023. Collection method: clinical testing. Allele origin: germline.

GeneDx
Classification: Uncertain significance. Last evaluated: 2024-04-01. Review status: criteria provided, single submitter. Criteria: GeneDx Variant Classification Process June 2021. Collection method: clinical testing. Allele origin: germline. Affected: yes.
Comment: Not observed at significant frequency in large population cohorts (gnomAD); In silico analysis supports that this missense variant has a deleterious effect on protein structure/function; Has not been previously published as pathogenic or benign to our knowledge

Quest Diagnostics Nichols Institute San Juan Capistrano
Classification: Uncertain significance. Last evaluated: 2017-05-04. Review status: criteria provided, single submitter. Criteria: Quest Diagnostics criteria. Collection method: clinical testing. Allele origin: germline.